The following is an entry in ClinVar:

ClinVar aggregate classification (germline): Likely benign (1 of 4 stars; one submission).

Allele frequency attached by ClinVar (database versions not stated): 1000 Genomes Project 30x 0.00141; 1000 Genomes Project 0.00160; ExAC 0.00336; TOPMed 0.00338; gnomAD 0.00378; ESP Exome Variant Server 0.00454; gnomAD exomes 0.00538.
gnomAD v4.1: 8,441 of 1,612,888 alleles (0.52%); highest among the groups gnomAD compares: Non-Finnish European, 0.64%; 26 homozygotes.

Submissions (19):

CeGaT Center for Human Genetics Tuebingen
Classification: Likely benign. Last evaluated: 2026-09-01. Review status: criteria provided, single submitter. Criteria: CeGaT Center For Human Genetics Tuebingen Variant Classification Criteria Version 2. Collection method: clinical testing. Allele origin: germline. Affected: yes. Observed: 4 variant alleles.
Comment: SAMD12: BS2

Dr. Peter K. Rogan Lab, Western University
No classification provided (evidence only). Condition: Lung cancer. Review status: no classification provided. Collection method: in vitro. Allele origin: not applicable. Functional consequence: retained intron. Not counted in ClinVar's aggregate classification.

Dr. Peter K. Rogan Lab, Western University
No classification provided (evidence only). Condition: Familial cancer of breast. Review status: no classification provided. Collection method: in vitro. Allele origin: not applicable. Functional consequence: retained intron. Not counted in ClinVar's aggregate classification.

Dr. Peter K. Rogan Lab, Western University
No classification provided (evidence only). Condition: Familial cancer of breast. Review status: no classification provided. Collection method: in vitro. Allele origin: not applicable. Functional consequence: retained intron. Not counted in ClinVar's aggregate classification.

Dr. Peter K. Rogan Lab, Western University
No classification provided (evidence only). Condition: Familial cancer of breast. Review status: no classification provided. Collection method: in vitro. Allele origin: not applicable. Functional consequence: retained intron. Not counted in ClinVar's aggregate classification.

Dr. Peter K. Rogan Lab, Western University
No classification provided (evidence only). Condition: Colon adenocarcinoma. Review status: no classification provided. Collection method: in vitro. Allele origin: not applicable. Functional consequence: retained intron. Not counted in ClinVar's aggregate classification.

Dr. Peter K. Rogan Lab, Western University
No classification provided (evidence only). Condition: Thyroid cancer, nonmedullary, 1. Review status: no classification provided. Collection method: in vitro. Allele origin: not applicable. Functional consequence: retained intron. Not counted in ClinVar's aggregate classification.

Dr. Peter K. Rogan Lab, Western University
No classification provided (evidence only). Condition: Thyroid cancer, nonmedullary, 1. Review status: no classification provided. Collection method: in vitro. Allele origin: not applicable. Functional consequence: retained intron. Not counted in ClinVar's aggregate classification.

Dr. Peter K. Rogan Lab, Western University
No classification provided (evidence only). Condition: Hepatocellular carcinoma. Review status: no classification provided. Collection method: in vitro. Allele origin: not applicable. Functional consequence: retained intron. Not counted in ClinVar's aggregate classification.

Dr. Peter K. Rogan Lab, Western University
No classification provided (evidence only). Condition: Hepatocellular carcinoma. Review status: no classification provided. Collection method: in vitro. Allele origin: not applicable. Functional consequence: retained intron. Not counted in ClinVar's aggregate classification.

Dr. Peter K. Rogan Lab, Western University
No classification provided (evidence only). Condition: Thymoma. Review status: no classification provided. Collection method: in vitro. Allele origin: not applicable. Functional consequence: retained intron. Not counted in ClinVar's aggregate classification.

Dr. Peter K. Rogan Lab, Western University
No classification provided (evidence only). Condition: Ovarian serous cystadenocarcinoma. Review status: no classification provided. Collection method: in vitro. Allele origin: not applicable. Functional consequence: skipped exon, retained intron. Not counted in ClinVar's aggregate classification.

Dr. Peter K. Rogan Lab, Western University
No classification provided (evidence only). Condition: Gastric cancer. Review status: no classification provided. Collection method: in vitro. Allele origin: not applicable. Functional consequence: retained intron. Not counted in ClinVar's aggregate classification.

Dr. Peter K. Rogan Lab, Western University
No classification provided (evidence only). Condition: Malignant tumor of esophagus. Review status: no classification provided. Collection method: in vitro. Allele origin: not applicable. Functional consequence: retained intron. Not counted in ClinVar's aggregate classification.

Dr. Peter K. Rogan Lab, Western University
No classification provided (evidence only). Condition: Chronic lymphocytic leukemia/small lymphocytic lymphoma. Review status: no classification provided. Collection method: in vitro. Allele origin: not applicable. Functional consequence: retained intron. Not counted in ClinVar's aggregate classification.

Dr. Peter K. Rogan Lab, Western University
No classification provided (evidence only). Condition: Chronic lymphocytic leukemia/small lymphocytic lymphoma. Review status: no classification provided. Collection method: in vitro. Allele origin: not applicable. Functional consequence: retained intron. Not counted in ClinVar's aggregate classification.

Dr. Peter K. Rogan Lab, Western University
No classification provided (evidence only). Condition: Familial pancreatic carcinoma. Review status: no classification provided. Collection method: in vitro. Allele origin: not applicable. Functional consequence: retained intron. Not counted in ClinVar's aggregate classification.

Dr. Peter K. Rogan Lab, Western University
No classification provided (evidence only). Condition: Lymphoma. Review status: no classification provided. Collection method: in vitro. Allele origin: not applicable. Functional consequence: skipped exon. Not counted in ClinVar's aggregate classification.

Dr. Peter K. Rogan Lab, Western University
No classification provided (evidence only). Condition: Ovarian cancer. Review status: no classification provided. Collection method: in vitro. Allele origin: not applicable. Functional consequence: skipped exon, retained intron. Not counted in ClinVar's aggregate classification.

NM_207506.3(SAMD12):c.320C>T (p.Thr107Ile)

Genes: SAMD12 (sterile alpha motif domain containing 12; minus strand), LOC126860479 (P300/CBP strongly-dependent group 1 enhancer GRCh37_chr8:119451504-119452703; plus strand). Cytogenetic location: 8q24.12.
Variant type: single nucleotide variant.
Coding change: c.320C>T on transcript NM_207506.3 (MANE Select); coding-DNA position 320, C replaced by T.
Protein change: p.Thr107Ile; replaces threonine 107 with isoleucine.
Molecular consequence: missense variant. On other transcripts: non-coding transcript variant (2), intron variant (1).
Genome position (GRCh38, 1-based): chr8:118,439,834, G>A on the plus strand (C>T on the coding strand, the complement: SAMD12 is on the minus strand). VCF-style: chr8-118439834-G-A. GRCh37 (hg19) VCF-style: chr8-119452073-G-A.
Other names: NC_000008.10:g.119452073G>A; c.320C>T, p.Thr107Ile (NM_001101676.2, NM_001363274.2); c.292+28C>T (NM_001349811.2); short protein forms T107I.
Identifiers: ClinVar variation 2658776 (VCV002658776.25), dbSNP rs117020479, ClinGen allele CA4854581.